The following is an entry in ClinVar:

ClinVar aggregate classification (germline): Uncertain significance (1 of 4 stars; one submission).

Conditions:
DICER1-related tumor predisposition. Also called: DICER1 syndrome; DICER1-related pleuropulmonary blastoma cancer predisposition syndrome. Identifiers: Orphanet 284343, MedGen C3839822, MONDO:0100216.

Submission:

Labcorp Genetics (formerly Invitae), Labcorp
Classification: Uncertain significance for DICER1-related tumor predisposition. Last evaluated: 2022-10-08. Review status: criteria provided, single submitter. Criteria: Invitae Variant Classification Sherloc (09022015). Collection method: clinical testing. Allele origin: germline.
Comment: This variant is not present in population databases (gnomAD no frequency). This variant has not been reported in the literature in individuals affected with DICER1-related conditions. Algorithms developed to predict the effect of missense changes on protein structure and function are either unavailable or do not agree on the potential impact of this missense change (SIFT: "Tolerated"; PolyPhen-2: "Probably Damaging"; Align-GVGD: "Class C0"). In summary, the available evidence is currently insufficient to determine the role of this variant in disease. Therefore, it has been classified as a Variant of Uncertain Significance. This sequence change replaces arginine, which is basic and polar, with glycine, which is neutral and non-polar, at codon 1907 of the DICER1 protein (p.Arg1907Gly).

NM_177438.3(DICER1):c.5719A>G (p.Arg1907Gly)

Gene: DICER1 (dicer 1, ribonuclease III; minus strand). Cytogenetic location: 14q32.13.
Variant type: single nucleotide variant.
Coding change: c.5719A>G on transcript NM_177438.3 (MANE Select); coding-DNA position 5719, A replaced by G.
Protein change: p.Arg1907Gly; replaces arginine 1907 with glycine.
Molecular consequence: missense variant. On other transcripts: non-coding transcript variant (6), 3 prime UTR variant (1).
Genome position (GRCh38, 1-based): chr14:95,090,548, T>C on the plus strand (A>G on the coding strand, the complement: DICER1 is on the minus strand). VCF-style: chr14-95090548-T-C. GRCh37 (hg19) VCF-style: chr14-95556885-T-C.
Other names: c.*66A>G (NM_001195573.1); c.5719A>G, p.Arg1907Gly (NM_001271282.3, NM_001291628.2, NM_001395677.1 and 8 more transcripts); c.5437A>G, p.Arg1813Gly (NM_001395686.1); c.5314A>G, p.Arg1772Gly (NM_001395687.1, NM_001395688.1, NM_001395689.1 and 1 more transcripts); c.5152A>G, p.Arg1718Gly (NM_001395691.1); c.4036A>G, p.Arg1346Gly (NM_001395697.1); short protein forms R1346G, R1718G, R1772G, R1813G, R1907G.
Identifiers: ClinVar variation 1721302 (VCV001721302.6), dbSNP rs2542390352, ClinGen allele CA390863075.
Genomic context (GRCh38, chr14:95,090,548, plus strand): 5'-AAAAGCGGTTTCAGCTATTGGGAACCTGAGGTTGATTAGCTTTGAGGCTTCGGAGGGCTC[T>C]TCTTGCTGCTGCAGATTTGGCAATCCTGTAACTTCGACCAACACCTTTAAATTTCCCCTT-3'
Protein context (NP_803187.1, residues 1897-1917): YRIAKSAAAR[Arg1907Gly]ALRSLKANQP